The following is an entry in ClinVar:

NM_020795.4(NLGN2):c.1960G>A (p.Glu654Lys)

Gene: NLGN2 (neuroligin 2; plus strand). Cytogenetic location: 17p13.1.
Variant type: single nucleotide variant.
Coding change: c.1960G>A on transcript NM_020795.4 (MANE Select); coding-DNA position 1960, G replaced by A.
Protein change: p.Glu654Lys; replaces glutamic acid 654 with lysine.
Molecular consequence: missense variant.
Genome position (GRCh38, 1-based): chr17:7,417,251, G>A. VCF-style: chr17-7417251-G-A. GRCh37 (hg19) VCF-style: chr17-7320570-G-A.
Other names: c.1960G>A (NM_020795.2); short protein forms E654K.
Identifiers: ClinVar variation 2146897 (VCV002146897.5), dbSNP rs761839688, ClinGen allele CA8346187.

ClinVar aggregate classification (germline): Uncertain significance. Review status: criteria provided, multiple submitters, no conflicts (2 of 4 stars). 2 submissions from 2 submitters: Uncertain significance (2). Last evaluated 2024-05-28.

Allele frequency attached by ClinVar (database versions not stated): TOPMed 0.00003; gnomAD 0.00004.
gnomAD v4.1: 58 of 1,551,668 alleles (0.0037%); highest among the groups gnomAD compares: East Asian, 0.0074%; no homozygotes.

Submissions (2):

Ambry Genetics
Classification: Uncertain significance. Last evaluated: 2024-05-28. Review status: criteria provided, single submitter. Criteria: Ambry Variant Classification Scheme 2023. Collection method: clinical testing. Allele origin: germline.

Labcorp Genetics (formerly Invitae), Labcorp
Classification: Uncertain significance. Last evaluated: 2022-11-28. Review status: criteria provided, single submitter. Criteria: Invitae Variant Classification Sherloc (09022015). Collection method: clinical testing. Allele origin: germline.
Comment: In summary, the available evidence is currently insufficient to determine the role of this variant in disease. Therefore, it has been classified as a Variant of Uncertain Significance. Algorithms developed to predict the effect of missense changes on protein structure and function (SIFT, PolyPhen-2, Align-GVGD) all suggest that this variant is likely to be tolerated. This variant has not been reported in the literature in individuals affected with NLGN2-related conditions. This variant is present in population databases (rs761839688, gnomAD 0.01%). This sequence change replaces glutamic acid, which is acidic and polar, with lysine, which is basic and polar, at codon 654 of the NLGN2 protein (p.Glu654Lys).